The following is an entry in ClinVar:

ClinVar aggregate classification (germline): Uncertain significance (1 of 4 stars; one submission).

Conditions:
Cardiovascular phenotype. Identifiers: MedGen CN230736.

gnomAD v4.1: 12 of 1,613,026 alleles (0.00074%); highest among the groups gnomAD compares: South Asian, 0.013%; no homozygotes.

Submission:

Ambry Genetics
Classification: Uncertain significance for Cardiovascular phenotype. Last evaluated: 2021-08-10. Review status: criteria provided, single submitter. Criteria: Ambry Variant Classification Scheme 2023. Collection method: clinical testing. Allele origin: germline.
Comment: The p.Q74H variant (also known as c.222G>T), located in coding exon 2 of the MYOZ2 gene, results from a G to T substitution at nucleotide position 222. The glutamine at codon 74 is replaced by histidine, an amino acid with highly similar properties. This amino acid position is conserved. In addition, this alteration is predicted to be tolerated by in silico analysis. Since supporting evidence is limited at this time, the clinical significance of this alteration remains unclear.

NM_016599.5(MYOZ2):c.222G>T (p.Gln74His)

Gene: MYOZ2 (myozenin 2; plus strand). Cytogenetic location: 4q26.
Variant type: single nucleotide variant.
Coding change: c.222G>T on transcript NM_016599.5 (MANE Select); coding-DNA position 222, G replaced by T.
Protein change: p.Gln74His; replaces glutamine 74 with histidine.
Molecular consequence: missense variant.
Genome position (GRCh38, 1-based): chr4:119,151,017, G>T. VCF-style: chr4-119151017-G-T. GRCh37 (hg19) VCF-style: chr4-120072172-G-T.
Other names: short protein forms Q74H.
Identifiers: ClinVar variation 1788089 (VCV001788089.2), dbSNP rs768381091, ClinGen allele CA3058562.